The following is an entry in ClinVar:

ClinVar aggregate classification (germline): Likely benign. Review status: criteria provided, multiple submitters, no conflicts (2 of 4 stars). 2 submissions from 2 submitters: Likely benign (2). Last evaluated 2026-04-01.

gnomAD v4.1: 1,351 of 1,613,604 alleles (0.084%); highest among the groups gnomAD compares: Non-Finnish European, 0.1%; 2 homozygotes.

Submissions (2):

CeGaT Center for Human Genetics Tuebingen
Classification: Likely benign. Last evaluated: 2026-04-01. Review status: criteria provided, single submitter. Criteria: CeGaT Center For Human Genetics Tuebingen Variant Classification Criteria Version 2. Collection method: clinical testing. Allele origin: germline. Affected: yes. Observed: 3 variant alleles.
Comment: CDC42BPB: BP4, BP7

Blueprint Genetics
Classification: Likely benign. Last evaluated: 2024-10-31. Review status: criteria provided, single submitter. Criteria: ACMG Guidelines, 2015. Collection method: clinical testing. Allele origin: germline.

NM_006035.4(CDC42BPB):c.2973A>G (p.Ala991=)

Gene: CDC42BPB (CDC42 binding protein kinase beta; minus strand). Cytogenetic location: 14q32.32.
Variant type: single nucleotide variant.
Coding change: c.2973A>G on transcript NM_006035.4 (MANE Select); coding-DNA position 2973, A replaced by G.
Protein change: p.Ala991=; no amino-acid change (alanine 991 retained).
Molecular consequence: synonymous variant.
Genome position (GRCh38, 1-based): chr14:102,954,617, T>C on the plus strand (A>G on the coding strand, the complement: CDC42BPB is on the minus strand). VCF-style: chr14-102954617-T-C. GRCh37 (hg19) VCF-style: chr14-103420954-T-C.
Other names: c.2973A>G, p.Ala991= (NM_001411054.1).
Identifiers: ClinVar variation 3770527 (VCV003770527.14).